The following is an entry in ClinVar:

ClinVar aggregate classification (germline): Benign. Review status: criteria provided, multiple submitters, no conflicts (2 of 4 stars). 7 submissions from 7 submitters: Benign (7). Last evaluated 2026-02-03.

Conditions:
Charcot-Marie-Tooth disease. Also called: Charcot-Marie-Tooth Neuropathy; Charcot-Marie-Tooth Hereditary Neuropathy. Identifiers: Orphanet 166, MedGen C0007959, MONDO:0015626.
Charcot-Marie-Tooth disease type 4. Also called: Charcot-Marie-Tooth disease, type IV; Charcot-Marie-Tooth, Type 4. Identifiers: Orphanet 64749, MedGen C4082197, MONDO:0018995.
Charcot-Marie-Tooth disease type 4B1. Also called: CHARCOT-MARIE-TOOTH DISEASE, AUTOSOMAL RECESSIVE, WITH FOCALLY FOLDED MYELIN SHEATHS, AUTOSOMAL RECESSIVE, TYPE 4B1; CHARCOT-MARIE-TOOTH DISEASE, TYPE 4B; Charcot-Marie-Tooth Neuropathy Type 4B1; CHARCOT-MARIE-TOOTH DISEASE, DEMYELINATING, TYPE 4B1. Identifiers: Orphanet 99955, MedGen C1832399, MONDO:0011066, OMIM 601382.

Allele frequency attached by ClinVar (database versions not stated): TOPMed 0.02925; ESP Exome Variant Server 0.03293; gnomAD 0.04066; 1000 Genomes Project 0.04213; 1000 Genomes Project 30x 0.04435.
gnomAD v4.1: 44,523 of 1,612,476 alleles (2.8%); highest among the groups gnomAD compares: South Asian, 9%; 1,070 homozygotes.

Submissions (7):

Labcorp Genetics (formerly Invitae), Labcorp
Classification: Benign for Charcot-Marie-Tooth disease type 4. Last evaluated: 2026-02-03. Review status: criteria provided, single submitter. Criteria: Invitae Variant Classification Sherloc (09022015). Collection method: clinical testing. Allele origin: germline.

Athena Diagnostics
Classification: Benign. Last evaluated: 2025-06-30. Review status: criteria provided, single submitter. Criteria: Athena Diagnostics Criteria. Collection method: clinical testing. Allele origin: unknown.
Comment: The frequency of this variant in the general population is higher than would generally be expected for pathogenic variants in this gene.

Illumina Laboratory Services, Illumina
Classification: Benign for Charcot-Marie-Tooth disease type 4B1. Last evaluated: 2018-01-12. Review status: criteria provided, single submitter. Criteria: ICSL Variant Classification Criteria 13 December 2019. Collection method: clinical testing. Allele origin: germline.
Comment: This variant was observed in the ICSL laboratory as part of a predisposition screen in an ostensibly healthy population. It had not been previously curated by ICSL or reported in the Human Gene Mutation Database (HGMD: prior to June 1st, 2018), and was therefore a candidate for classification through an automated scoring system. Utilizing variant allele frequency, disease prevalence and penetrance estimates, and inheritance mode, an automated score was calculated to assess if this variant is too frequent to cause the disease. Based on the score and internal cut-off values, a variant classified as benign is not then subjected to further curation. The score for this variant resulted in a classification of benign for this disease.

Mayo Clinic Laboratories, Mayo Clinic
Classification: Benign. Last evaluated: 2016-05-27. Review status: criteria provided, single submitter. Criteria: ACMG Guidelines, 2015. Collection method: clinical testing. Allele origin: germline. Observed: 85 variant alleles.

GeneDx
Classification: Benign. Last evaluated: 2015-03-03. Review status: criteria provided, single submitter. Criteria: GeneDx Variant Classification Process June 2021. Collection method: clinical testing. Allele origin: germline. Affected: yes.

Breakthrough Genomics
Classification: Benign. Review status: criteria provided, single submitter. Criteria: ACMG Guidelines, 2015. Collection method: not provided. Allele origin: germline. Inheritance: Autosomal recessive inheritance. Affected: yes.

Molecular Genetics Laboratory, London Health Sciences Centre
Classification: Benign for Charcot-Marie-Tooth disease. Review status: criteria provided, single submitter. Criteria: ACMG Guidelines, 2015. Collection method: clinical testing. Allele origin: germline. Affected: yes.

NM_016156.6(MTMR2):c.1756C>A (p.Arg586=)

Gene: MTMR2 (myotubularin related protein 2; minus strand). Cytogenetic location: 11q21.
Variant type: single nucleotide variant.
Coding change: c.1756C>A on transcript NM_016156.6 (MANE Select); coding-DNA position 1756, C replaced by A.
Protein change: p.Arg586=; no amino-acid change (arginine 586 retained).
Molecular consequence: synonymous variant.
Genome position (GRCh38, 1-based): chr11:95,836,162, G>T on the plus strand (C>A on the coding strand, the complement: MTMR2 is on the minus strand). VCF-style: chr11-95836162-G-T. GRCh37 (hg19) VCF-style: chr11-95569326-G-T.
Other names: p.Arg586=; c.1540C>A, p.Arg514= (NM_001243571.2, NM_201278.3, NM_201281.3).
Identifiers: ClinVar variation 306536 (VCV000306536.21), dbSNP rs61735577, ClinGen allele CA6239888.
Genomic context (GRCh38, chr11:95,836,162, plus strand): 5'-GCACTGCATGAATGAAAACTCCCATTGTATATTGTAAGGCACATACCTGTGGTTTCATCC[G>T]TGGATTCCACCTTATGTAATATCCCACCCAGAGCTCTAGGTGGCGCATGCTGGCTACTGG-3'
Protein context (NP_057240.3, residues 576-596): WVGYYIRWNP[Arg586=]MKPQEPIHNR